The following is an entry in ClinVar:

NM_144585.4(SLC22A12):c.426T>C (p.His142=)

Gene: SLC22A12 (solute carrier family 22 member 12; plus strand). Cytogenetic location: 11q13.1.
Variant type: single nucleotide variant.
Coding change: c.426T>C on transcript NM_144585.4 (MANE Select); coding-DNA position 426, T replaced by C.
Protein change: p.His142=; no amino-acid change (histidine 142 retained).
Molecular consequence: synonymous variant. On other transcripts: 5 prime UTR variant (1).
Genome position (GRCh38, 1-based): chr11:64,592,802, T>C. VCF-style: chr11-64592802-T-C. GRCh37 (hg19) VCF-style: chr11-64360274-T-C.
Other names: p.His142=; c.426T>C, p.His142= (NM_001276326.2, NM_001276327.2); c.-83T>C (NM_153378.3).
Identifiers: ClinVar variation 305233 (VCV000305233.24), dbSNP rs11231825, ClinGen allele CA6077072.

ClinVar aggregate classification (germline): Benign. Review status: criteria provided, multiple submitters, no conflicts (2 of 4 stars). 7 submissions from 7 submitters: Benign (7). Last evaluated 2026-02-04.

Conditions:
Dalmatian hypouricemia (RHUC1). Identifiers: MedGen C0473219, MONDO:0020728, OMIM 220150.

Allele frequency attached by ClinVar (database versions not stated): 1000 Genomes Project 30x 0.38492; 1000 Genomes Project 0.38598; TOPMed 0.48875; gnomAD 0.50518 and 0.50541; ESP Exome Variant Server 0.53616; gnomAD exomes 0.57274 and 0.66142; ExAC 0.57511.

Submissions (7):

Labcorp Genetics (formerly Invitae), Labcorp
Classification: Benign. Last evaluated: 2026-02-04. Review status: criteria provided, single submitter. Criteria: Invitae Variant Classification Sherloc (09022015). Collection method: clinical testing. Allele origin: germline.

Blueprint Genetics
Classification: Benign. Last evaluated: 2024-11-27. Review status: criteria provided, single submitter. Criteria: ACMG Guidelines, 2015. Collection method: clinical testing. Allele origin: germline.

Mayo Clinic Laboratories, Mayo Clinic
Classification: Benign. Last evaluated: 2022-09-23. Review status: criteria provided, single submitter. Criteria: ACMG Guidelines, 2015. Collection method: clinical testing. Allele origin: germline. Observed: 135 variant alleles.
Comment: BA1, BP4, BP7

Genome-Nilou Lab
Classification: Benign for Dalmatian hypouricemia. Last evaluated: 2021-07-15. Review status: criteria provided, single submitter. Criteria: ACMG Guidelines, 2015. Collection method: clinical testing. Allele origin: germline. Affected: no.

GeneDx
Classification: Benign. Last evaluated: 2018-11-12. Review status: criteria provided, single submitter. Criteria: GeneDx Variant Classification Process June 2021. Collection method: clinical testing. Allele origin: germline. Affected: yes.
Comment: This variant is associated with the following publications: (PMID: 16385546, 20714133)

Laboratory for Molecular Medicine, Mass General Brigham Personalized Medicine
Classification: Benign. Last evaluated: 2016-03-21. Review status: criteria provided, single submitter. Criteria: LMM Criteria. Collection method: clinical testing. Allele origin: germline. Observed: 1 variant allele.
Comment: p.His142His in exon 2 of SLC22A12: This variant is not expected to have clinical significance because it does not alter an amino acid residue, is not located wi thin the splice consensus sequence, and has been identified in 69.92% (46661/667 38) of European chromosomes by the Exome Aggregation Consortium (ExAC; dbSNP rs11231825).

Breakthrough Genomics
Classification: Benign. Review status: criteria provided, single submitter. Criteria: ACMG Guidelines, 2015. Collection method: not provided. Allele origin: germline. Inheritance: Autosomal recessive inheritance. Affected: yes.